The following is an entry in ClinVar:

NM_000051.4(ATM):c.8046T>C (p.Thr2682=)

Genes: ATM (ATM serine/threonine kinase; plus strand), C11orf65 (chromosome 11 open reading frame 65; minus strand). Cytogenetic location: 11q22.3.
Variant type: single nucleotide variant.
Coding change: c.8046T>C on transcript NM_000051.4 (MANE Select); coding-DNA position 8046, T replaced by C.
Protein change: p.Thr2682=; no amino-acid change (threonine 2682 retained).
Molecular consequence: synonymous variant. On other transcripts: intron variant (2).
Genome position (GRCh38, 1-based): chr11:108,335,004, T>C. VCF-style: chr11-108335004-T-C. GRCh37 (hg19) VCF-style: chr11-108205731-T-C.
Other names: c.8046T>C, p.Thr2682= (NM_001351834.2); c.641-25933A>G (NM_001330368.2); c.*38+216A>G (NM_001351110.2).
Identifiers: ClinVar variation 233483 (VCV000233483.18), dbSNP rs876660435, ClinGen allele CA10579280.

ClinVar aggregate classification (germline): Benign/Likely benign. Review status: criteria provided, multiple submitters, no conflicts (2 of 4 stars). 6 submissions from 6 submitters: Benign (1); Likely benign (5). Last evaluated 2024-06-18.

Conditions:
Hereditary cancer-predisposing syndrome. Also called: Neoplastic Syndromes, Hereditary; Hereditary neoplastic syndrome; Tumor predisposition; Hereditary Cancer Syndrome. Identifiers: Orphanet 140162, MedGen C0027672, MeSH D009386, MONDO:0015356.
Familial cancer of breast. Also called: hereditary breast carcinoma; Hereditary breast cancer; BREAST CANCER, FAMILIAL. Identifiers: Orphanet 227535, MedGen C0346153, MONDO:0016419, OMIM 114480. Disease mechanism: loss of function.
Ataxia-telangiectasia syndrome (AT). Also called: Ataxia telangiectasia (A-T); Cerebello-oculocutaneous telangiectasia; Immunodeficiency with ataxia telangiectasia; LOUIS-BAR SYNDROME; AT, COMPLEMENTATION GROUP C; ATAXIA-TELANGIECTASIA, FRESNO VARIANT. Identifiers: Orphanet 100, MedGen C0004135, MONDO:0008840, OMIM 208900.

Allele frequency attached by ClinVar (database versions not stated): TOPMed below 0.00001.
gnomAD v4.1: 1 of 1,613,748 alleles (0.000062%); no homozygotes.

Submissions (6):

Myriad Genetics, Inc.
Classification: Benign for Familial cancer of breast. Last evaluated: 2024-06-18. Review status: criteria provided, single submitter. Criteria: Myriad Autosomal Dominant, Autosomal Recessive and X-Linked Classification Criteria (2023). Collection method: clinical testing. Allele origin: unknown.
Comment: This variant is considered benign. This variant is a silent/synonymous amino acid change and it is not expected to impact splicing.

Labcorp Genetics (formerly Invitae), Labcorp
Classification: Likely benign for Ataxia-telangiectasia syndrome. Last evaluated: 2024-03-15. Review status: criteria provided, single submitter. Criteria: Invitae Variant Classification Sherloc (09022015). Collection method: clinical testing. Allele origin: germline.

Sema4
Classification: Likely benign for Hereditary cancer-predisposing syndrome. Last evaluated: 2021-09-08. Review status: criteria provided, single submitter. Criteria: Sema4 Curation Guidelines. Collection method: curation. Allele origin: germline.

Women's Health and Genetics/Laboratory Corporation of America, LabCorp
Classification: Likely benign. Last evaluated: 2019-08-21. Review status: criteria provided, single submitter. Criteria: LabCorp Variant Classification Summary - May 2015. Collection method: clinical testing. Allele origin: germline.

Color Diagnostics, LLC DBA Color Health
Classification: Likely benign for Hereditary cancer-predisposing syndrome. Last evaluated: 2017-07-18. Review status: criteria provided, single submitter. Criteria: ACMG Guidelines, 2015. Collection method: clinical testing. Allele origin: germline.

Ambry Genetics
Classification: Likely benign for Hereditary cancer-predisposing syndrome. Last evaluated: 2015-08-21. Review status: criteria provided, single submitter. Criteria: Ambry Variant Classification Scheme 2023. Collection method: clinical testing. Allele origin: germline.